The following is an entry in ClinVar:

ClinVar aggregate classification (germline): Likely benign (0 of 4 stars; one submission).

Conditions:
CEP170B-related disorder. Also called: CEP170B-related condition.

Allele frequency attached by ClinVar (database versions not stated): 1000 Genomes Project 0.00699; 1000 Genomes Project 30x 0.00750; ExAC 0.00835; ESP Exome Variant Server 0.00936.
gnomAD v4.1: 5,979 of 1,580,544 alleles (0.38%); highest among the groups gnomAD compares: African/African-American, 3%; 45 homozygotes.

Submissions (4):

PreventionGenetics, part of Exact Sciences
Classification: Likely benign for CEP170B-related condition. Last evaluated: 2019-02-22. Review status: no assertion criteria provided. Collection method: clinical testing. Allele origin: germline.
Comment: This variant is classified as likely benign based on ACMG/AMP sequence variant interpretation guidelines (Richards et al. 2015 PMID: 25741868, with internal and published modifications).

Dr. Peter K. Rogan Lab, Western University
No classification provided (evidence only). Condition: Lung cancer. Review status: no classification provided. Collection method: in vitro. Allele origin: not applicable. Functional consequence: retained intron. Not counted in ClinVar's aggregate classification.

Dr. Peter K. Rogan Lab, Western University
No classification provided (evidence only). Condition: Colorectal cancer. Review status: no classification provided. Collection method: in vitro. Allele origin: not applicable. Functional consequence: retained intron. Not counted in ClinVar's aggregate classification.

Dr. Peter K. Rogan Lab, Western University
No classification provided (evidence only). Condition: Uterine corpus endometrial carcinoma. Review status: no classification provided. Collection method: in vitro. Allele origin: not applicable. Functional consequence: retained intron. Not counted in ClinVar's aggregate classification.

NM_001112726.3(CEP170B):c.1106C>T (p.Ala369Val)

Gene: CEP170B (centrosomal protein 170B; plus strand). Cytogenetic location: 14q32.33.
Variant type: single nucleotide variant.
Coding change: c.1106C>T on transcript NM_001112726.3 (MANE Select); coding-DNA position 1106, C replaced by T.
Protein change: p.Ala369Val; replaces alanine 369 with valine.
Molecular consequence: missense variant.
Genome position (GRCh38, 1-based): chr14:104,883,885, C>T. VCF-style: chr14-104883885-C-T. GRCh37 (hg19) VCF-style: chr14-105350222-C-T.
Other names: NC_000014.8:g.105350222C>T; c.896C>T, p.Ala299Val (NM_015005.3); short protein forms A299V, A369V.
Identifiers: ClinVar variation 3060799 (VCV003060799.3), dbSNP rs62641743, ClinGen allele CA7375507.